The following is an entry in ClinVar:

NM_000298.6(PKLR):c.1015del (p.Asp339fs)

Gene: PKLR (pyruvate kinase L/R; minus strand). Cytogenetic location: 1q22.
Variant type: Deletion.
Coding change: c.1015del on transcript NM_000298.6 (MANE Select); coding-DNA position 1015, one base deleted (G; older notation c.1015delG).
Protein change: p.Asp339fs; shifts the reading frame from aspartic acid 339.
Molecular consequence: frameshift variant.
Genome position (GRCh38, 1-based): chr1:155,294,336, C deleted on the plus strand (G on the coding strand, the reverse complement: PKLR is on the minus strand); the first of 6 consecutive C bases (chr1:155,294,336-155,294,341); deleting any one gives the same sequence. VCF-style (leftmost placement, unchanged base first): chr1-155294335-TC-T. GRCh37 (hg19) VCF-style: chr1-155264126-TC-T.
Other names: c.922del, p.Asp308fs (NM_181871.4); short protein forms D308fs, D339fs.
Identifiers: ClinVar variation 1687397 (VCV001687397.1), dbSNP rs1193689718, ClinGen allele CA421245857.

ClinVar aggregate classification (germline): Pathogenic (1 of 4 stars; one submission).

Conditions:
Pyruvate kinase deficiency of red cells (CNSHA2). Also called: Pyruvate kinase deficiency, Amish type; PK DEFICIENCY; PYRUVATE KINASE DEFICIENCY OF ERYTHROCYTE. Identifiers: Orphanet 766, MedGen C0340968, MONDO:0009950, OMIM 266200.

Submission:

3billion
Classification: Pathogenic for Pyruvate kinase deficiency of red cells. Last evaluated: 2022-05-22. Review status: criteria provided, single submitter. Criteria: ACMG Guidelines, 2015. Collection method: clinical testing. Allele origin: germline. Affected: yes. Observed: 1 homozygote.
Comment: The variant is not observed in the gnomAD v2.1.1 dataset. Frameshift: predicted to result in a loss or disruption of normal protein function through nonsense-mediated decay (NMD) or protein truncation. Multiple pathogenic variants are reported downstream of the variant. The variant has been reported to be associated with PKLR related disorder (PMID: 11328279). Therefore, this variant is classified as pathogenic according to the recommendation of ACMG/AMP guideline.

Literature cited by the submitters: PubMed 11328279.